The following is an entry in ClinVar:

ClinVar aggregate classification (germline): Benign. Review status: criteria provided, single submitter (1 of 4 stars). 2 submissions from 2 submitters: Benign (1). 1 of the submissions does not count toward it. Last evaluated 2026-01-24.

Conditions:
Neuronal ceroid lipofuscinosis 13 (CLN13). Also called: CEROID LIPOFUSCINOSIS, NEURONAL, 13 (KUFS TYPE); CLN13 Disease. Identifiers: Orphanet 352709, Orphanet 79262, MedGen C3715049, MONDO:0014147, OMIM 615362.
CTSF-related disorder. Also called: CTSF-related condition.

Allele frequency attached by ClinVar (database versions not stated): gnomAD 0.00020 and 0.00050; TOPMed 0.00035; gnomAD exomes 0.00047; 1000 Genomes Project 30x 0.00297; 1000 Genomes Project 0.00399; ExAC 0.01111.

Submissions (2):

Labcorp Genetics (formerly Invitae), Labcorp
Classification: Benign for Neuronal ceroid lipofuscinosis 13. Last evaluated: 2026-01-24. Review status: criteria provided, single submitter. Criteria: Invitae Variant Classification Sherloc (09022015). Collection method: clinical testing. Allele origin: germline.

PreventionGenetics, part of Exact Sciences
Classification: Likely benign for CTSF-related condition. Last evaluated: 2019-08-20. Review status: no assertion criteria provided. Collection method: clinical testing. Allele origin: germline. Not counted in ClinVar's aggregate classification.
Comment: This variant is classified as likely benign based on ACMG/AMP sequence variant interpretation guidelines (Richards et al. 2015 PMID: 25741868, with internal and published modifications).

NM_003793.4(CTSF):c.45G>T (p.Pro15=)

Gene: CTSF (cathepsin F; minus strand). Cytogenetic location: 11q13.2.
Variant type: single nucleotide variant.
Coding change: c.45G>T on transcript NM_003793.4 (MANE Select); coding-DNA position 45, G replaced by T.
Protein change: p.Pro15=; no amino-acid change (proline 15 retained).
Molecular consequence: synonymous variant.
Genome position (GRCh38, 1-based): chr11:66,568,442, C>A on the plus strand (G>T on the coding strand, the complement: CTSF is on the minus strand). VCF-style: chr11-66568442-C-A. GRCh37 (hg19) VCF-style: chr11-66335913-C-A.
Other names: c.45G>T (NM_003793.3).
Identifiers: ClinVar variation 1167443 (VCV001167443.11), dbSNP rs117792851, ClinGen allele CA6125710.